The following is an entry in ClinVar:

ClinVar aggregate classification (germline): Uncertain significance (1 of 4 stars; one submission).

Conditions:
Cardiovascular phenotype. Identifiers: MedGen CN230736.

gnomAD v4.1: 2 of 1,614,056 alleles (0.00012%); highest among the groups gnomAD compares: Non-Finnish European, 0.00017%; no homozygotes.

Submission:

Ambry Genetics
Classification: Uncertain significance for Cardiovascular phenotype. Last evaluated: 2025-02-15. Review status: criteria provided, single submitter. Criteria: Ambry Variant Classification Scheme 2023. Collection method: clinical testing. Allele origin: germline.
Comment: The p.M668I variant (also known as c.2004G>A), located in coding exon 15 of the DSP gene, results from a G to A substitution at nucleotide position 2004. The methionine at codon 668 is replaced by isoleucine, an amino acid with highly similar properties. This amino acid position is conserved. In addition, this alteration is predicted to be tolerated by in silico analysis. Based on the available evidence, the clinical significance of this variant remains unclear.

NM_004415.4(DSP):c.2004G>A (p.Met668Ile)

Gene: DSP (desmoplakin; plus strand). Cytogenetic location: 6p24.3.
Variant type: single nucleotide variant.
Coding change: c.2004G>A on transcript NM_004415.4 (MANE Select); coding-DNA position 2004, G replaced by A.
Protein change: p.Met668Ile; replaces methionine 668 with isoleucine.
Molecular consequence: missense variant.
Genome position (GRCh38, 1-based): chr6:7,571,942, G>A. VCF-style: chr6-7571942-G-A. GRCh37 (hg19) VCF-style: chr6-7572175-G-A.
Other names: c.2004G>A, p.Met668Ile (NM_001008844.3, NM_001319034.2); short protein forms M668I.
Identifiers: ClinVar variation 3842701 (VCV003842701.1).